The following is an entry in ClinVar:

ClinVar aggregate classification (germline): Uncertain significance. Review status: criteria provided, multiple submitters, no conflicts (2 of 4 stars). 2 submissions from 2 submitters: Uncertain significance (2). Last evaluated 2025-06-18.

Conditions:
Inborn genetic diseases. Identifiers: MedGen C0950123, MeSH D030342.

Allele frequency attached by ClinVar (database versions not stated): TOPMed 0.00002; gnomAD 0.00003; gnomAD exomes 0.00004.
gnomAD v4.1: 67 of 1,613,250 alleles (0.0042%); highest among the groups gnomAD compares: Middle Eastern, 0.016%; no homozygotes.

Submissions (2):

Ambry Genetics
Classification: Uncertain significance for Inborn genetic diseases. Last evaluated: 2025-06-18. Review status: criteria provided, single submitter. Criteria: Ambry Variant Classification Scheme 2023. Collection method: clinical testing. Allele origin: germline.

Labcorp Genetics (formerly Invitae), Labcorp
Classification: Uncertain significance. Last evaluated: 2022-09-14. Review status: criteria provided, single submitter. Criteria: Invitae Variant Classification Sherloc (09022015). Collection method: clinical testing. Allele origin: germline.
Comment: This sequence change replaces arginine, which is basic and polar, with glutamine, which is neutral and polar, at codon 265 of the AGPS protein (p.Arg265Gln). This variant is present in population databases (no rsID available, gnomAD 0.003%). This variant has not been reported in the literature in individuals affected with AGPS-related conditions. Advanced modeling of protein sequence and biophysical properties (such as structural, functional, and spatial information, amino acid conservation, physicochemical variation, residue mobility, and thermodynamic stability) performed at Invitae indicates that this missense variant is not expected to disrupt AGPS protein function. In summary, the available evidence is currently insufficient to determine the role of this variant in disease. Therefore, it has been classified as a Variant of Uncertain Significance.

NM_003659.4(AGPS):c.794G>A (p.Arg265Gln)

Gene: AGPS (alkylglycerone phosphate synthase; plus strand). Cytogenetic location: 2q31.2.
Variant type: single nucleotide variant.
Coding change: c.794G>A on transcript NM_003659.4 (MANE Select); coding-DNA position 794, G replaced by A.
Protein change: p.Arg265Gln; replaces arginine 265 with glutamine.
Molecular consequence: missense variant.
Genome position (GRCh38, 1-based): chr2:177,445,550, G>A. VCF-style: chr2-177445550-G-A. GRCh37 (hg19) VCF-style: chr2-178310278-G-A.
Other names: c.794G>A (NM_003659.3); short protein forms R265Q.
Identifiers: ClinVar variation 2194009 (VCV002194009.2), dbSNP rs1372190083, ClinGen allele CA349703173.
Genomic context (GRCh38, chr2:177,445,550, plus strand): 5'-CCTGAGAAAATATTAGTAGTTCCTGGAGATCAGATTTCTTTCTTCCTTTGCAACAGAATC[G>A]AATTCTCTGGGTTGATGAGAACAATTTGACAGCTCATGTAGAGGCTGGCATAACAGGACA-3'
Protein context (NP_003650.1, residues 255-275): IISLDTSQMN[Arg265Gln]ILWVDENNLT